The following is an entry in ClinVar:

ClinVar aggregate classification (germline): Likely benign (1 of 4 stars; one submission).

Submission:

CeGaT Center for Human Genetics Tuebingen
Classification: Likely benign. Last evaluated: 2026-09-01. Review status: criteria provided, single submitter. Criteria: CeGaT Center For Human Genetics Tuebingen Variant Classification Criteria Version 2. Collection method: clinical testing. Allele origin: germline. Affected: yes. Observed: 12 variant alleles.
Comment: RASGRP1: PM2:Supporting, BP4, BP7

NM_005739.4(RASGRP1):c.2097C>A (p.Ala699=)

Gene: RASGRP1 (RAS guanyl releasing protein 1; minus strand). Cytogenetic location: 15q14.
Variant type: single nucleotide variant.
Coding change: c.2097C>A on transcript NM_005739.4 (MANE Select); coding-DNA position 2097, C replaced by A.
Protein change: p.Ala699=; no amino-acid change (alanine 699 retained).
Molecular consequence: synonymous variant. On other transcripts: intron variant (1).
Genome position (GRCh38, 1-based): chr15:38,494,544, G>T on the plus strand (C>A on the coding strand, the complement: RASGRP1 is on the minus strand). VCF-style: chr15-38494544-G-T. GRCh37 (hg19) VCF-style: chr15-38786745-G-T.
Other names: c.1992C>A, p.Ala664= (NM_001128602.2); c.1769-3856C>A (NM_001306086.2).
Identifiers: ClinVar variation 2645159 (VCV002645159.24), dbSNP rs1436083655, ClinGen allele CA489891747.